The following is an entry in ClinVar:

ClinVar aggregate classification (germline): Uncertain significance (1 of 4 stars; one submission).

Conditions:
Hereditary cancer-predisposing syndrome. Also called: Neoplastic Syndromes, Hereditary; Tumor predisposition; Hereditary Cancer Syndrome; Hereditary neoplastic syndrome. Identifiers: Orphanet 140162, MedGen C0027672, MeSH D009386, MONDO:0015356.

Submission:

Ambry Genetics
Classification: Uncertain significance for Hereditary cancer-predisposing syndrome. Last evaluated: 2026-03-31. Review status: criteria provided, single submitter. Criteria: Ambry Variant Classification Scheme 2023. Collection method: clinical testing. Allele origin: germline.
Comment: The p.F1416V variant (also known as c.4246T>G), located in coding exon 21 of the BLM gene, results from a T to G substitution at nucleotide position 4246. The phenylalanine at codon 1416 is replaced by valine, an amino acid with highly similar properties. This amino acid position is conserved. In addition, this alteration is predicted to be tolerated by in silico analysis. Based on the available evidence, the clinical significance of this variant remains unclear.

NM_000057.4(BLM):c.4246T>G (p.Phe1416Val)

Gene: BLM (BLM RecQ like helicase; plus strand). Cytogenetic location: 15q26.1.
Variant type: single nucleotide variant.
Coding change: c.4246T>G on transcript NM_000057.4 (MANE Select); coding-DNA position 4246, T replaced by G.
Protein change: p.Phe1416Val; replaces phenylalanine 1416 with valine.
Molecular consequence: missense variant.
Genome position (GRCh38, 1-based): chr15:90,815,271, T>G. VCF-style: chr15-90815271-T-G. GRCh37 (hg19) VCF-style: chr15-91358501-T-G.
Other names: c.4246T>G, p.Phe1416Val (NM_001287246.2); c.3853T>G, p.Phe1285Val (NM_001287247.2); c.3121T>G, p.Phe1041Val (NM_001287248.2); short protein forms F1041V, F1285V, F1416V.
Identifiers: ClinVar variation 4867463 (VCV004867463.1).